The following is an entry in ClinVar:

ClinVar aggregate classification (germline): Uncertain significance. Review status: criteria provided, multiple submitters, no conflicts (2 of 4 stars). 2 submissions from 2 submitters: Uncertain significance (2). Last evaluated 2025-11-13.

Allele frequency attached by ClinVar (database versions not stated): TOPMed 0.00006; gnomAD 0.00007; ExAC 0.00009.

Submissions (2):

Labcorp Genetics (formerly Invitae), Labcorp
Classification: Uncertain significance. Last evaluated: 2025-11-13. Review status: criteria provided, single submitter. Criteria: Invitae Variant Classification Sherloc (09022015). Collection method: clinical testing. Allele origin: germline.
Comment: This sequence change replaces leucine, which is neutral and non-polar, with arginine, which is basic and polar, at codon 115 of the SLC7A13 protein (p.Leu115Arg). This variant is present in population databases (rs778463673, gnomAD 0.02%). This variant has not been reported in the literature in individuals affected with SLC7A13-related conditions. ClinVar contains an entry for this variant (Variation ID: 2357841). An algorithm developed to predict the effect of missense changes on protein structure and function (PolyPhen-2) suggests that this variant is likely to be disruptive. In summary, the available evidence is currently insufficient to determine the role of this variant in disease. Therefore, it has been classified as a Variant of Uncertain Significance.

Ambry Genetics
Classification: Uncertain significance. Last evaluated: 2021-08-10. Review status: criteria provided, single submitter. Criteria: Ambry Variant Classification Scheme 2023. Collection method: clinical testing. Allele origin: germline.

NM_138817.3(SLC7A13):c.344T>G (p.Leu115Arg)

Gene: SLC7A13 (solute carrier family 7 member 13; minus strand). Cytogenetic location: 8q21.3.
Variant type: single nucleotide variant.
Coding change: c.344T>G on transcript NM_138817.3 (MANE Select); coding-DNA position 344, T replaced by G.
Protein change: p.Leu115Arg; replaces leucine 115 with arginine.
Molecular consequence: missense variant.
Genome position (GRCh38, 1-based): chr8:86,229,934, A>C on the plus strand (T>G on the coding strand, the complement: SLC7A13 is on the minus strand). VCF-style: chr8-86229934-A-C. GRCh37 (hg19) VCF-style: chr8-87242163-A-C.
Other names: short protein forms L115R.
Identifiers: ClinVar variation 2357841 (VCV002357841.3), dbSNP rs778463673, ClinGen allele CA4797851.